The following is an entry in ClinVar:

ClinVar aggregate classification (germline): Uncertain significance. Review status: criteria provided, multiple submitters, no conflicts (2 of 4 stars). 2 submissions from 2 submitters: Uncertain significance (2). Last evaluated 2024-08-20.

Conditions:
Early-infantile DEE. Also called: Ohtahara syndrome; Early infantile epileptic encephalopathy; Early infantile epileptic encephalopathy with suppression bursts. Identifiers: Orphanet 1934, MedGen C0393706, MONDO:0800491.
Inborn genetic diseases. Identifiers: MedGen C0950123, MeSH D030342.

Submissions (2):

Ambry Genetics
Classification: Uncertain significance for Inborn genetic diseases. Last evaluated: 2024-08-20. Review status: criteria provided, single submitter. Criteria: Ambry Variant Classification Scheme 2023. Collection method: clinical testing. Allele origin: germline.

Labcorp Genetics (formerly Invitae), Labcorp
Classification: Uncertain significance for Early-infantile DEE. Last evaluated: 2024-02-14. Review status: criteria provided, single submitter. Criteria: Invitae Variant Classification Sherloc (09022015). Collection method: clinical testing. Allele origin: germline.
Comment: This sequence change replaces glutamic acid, which is acidic and polar, with lysine, which is basic and polar, at codon 859 of the KCNQ2 protein (p.Glu859Lys). This variant is not present in population databases (gnomAD no frequency). This variant has not been reported in the literature in individuals affected with KCNQ2-related conditions. An algorithm developed to predict the effect of missense changes on protein structure and function (PolyPhen-2) suggests that this variant is likely to be disruptive. In summary, the available evidence is currently insufficient to determine the role of this variant in disease. Therefore, it has been classified as a Variant of Uncertain Significance.

NM_172107.4(KCNQ2):c.2575G>A (p.Glu859Lys)

Gene: KCNQ2 (potassium voltage-gated channel subfamily Q member 2; minus strand). Cytogenetic location: 20q13.33.
Variant type: single nucleotide variant.
Coding change: c.2575G>A on transcript NM_172107.4 (MANE Select); coding-DNA position 2575, G replaced by A.
Protein change: p.Glu859Lys; replaces glutamic acid 859 with lysine.
Molecular consequence: missense variant.
Genome position (GRCh38, 1-based): chr20:63,406,688, C>T on the plus strand (G>A on the coding strand, the complement: KCNQ2 is on the minus strand). VCF-style: chr20-63406688-C-T. GRCh37 (hg19) VCF-style: chr20-62038041-C-T.
Other names: c.2629G>A, p.Glu877Lys (NM_001382235.1); c.2491G>A, p.Glu831Lys (NM_004518.6); c.2521G>A, p.Glu841Lys (NM_172106.3); c.2482G>A, p.Glu828Lys (NM_172108.5); c.2575G>A (NM_172107.2); short protein forms E859K, E877K, E831K, E841K, E828K.
Identifiers: ClinVar variation 2984335 (VCV002984335.4), dbSNP rs2516090646, ClinGen allele CA409636491.